The following is an entry in ClinVar:

NM_025137.4(SPG11):c.2686A>G (p.Ile896Val)

Gene: SPG11 (SPG11 vesicle trafficking associated, spatacsin; minus strand). Cytogenetic location: 15q21.1.
Variant type: single nucleotide variant.
Coding change: c.2686A>G on transcript NM_025137.4 (MANE Select); coding-DNA position 2686, A replaced by G.
Protein change: p.Ile896Val; replaces isoleucine 896 with valine.
Molecular consequence: missense variant.
Genome position (GRCh38, 1-based): chr15:44,620,338, T>C on the plus strand (A>G on the coding strand, the complement: SPG11 is on the minus strand). VCF-style: chr15-44620338-T-C. GRCh37 (hg19) VCF-style: chr15-44912536-T-C.
Other names: c.2686A>G, p.Ile896Val (NM_001160227.2, NM_001411132.1); short protein forms I896V.
Identifiers: ClinVar variation 1981644 (VCV001981644.3), dbSNP rs753479999, ClinGen allele CA7535160.
Genomic context (GRCh38, chr15:44,620,338, plus strand): 5'-TGTTCTGCTGAAGTGAAGCATAACTATGCTGGGTTTGAAATTCTCCAATCCATAAGATAA[T>C]GTTTAACCAATCATGGCGAGCTGTGAGGTATCTCCAGAGGGCTTCAGGGGAATATGATTT-3'
Protein context (NP_079413.3, residues 886-906): YLTARHDWLN[Ile896Val]ILWIGEFQTQ

ClinVar aggregate classification (germline): Uncertain significance (1 of 4 stars; one submission).

Conditions:
Hereditary spastic paraplegia 11. Also called: SPASTIC PARAPLEGIA, AUTOSOMAL RECESSIVE, COMPLICATED, WITH THIN CORPUS CALLOSUM; SPASTIC PARAPLEGIA, AUTOSOMAL RECESSIVE, WITH MENTAL IMPAIRMENT AND THIN CORPUS CALLOSUM; Spastic Paraplegia 11; Spastic paraplegia, mental retardation and thin corpus callosum; Nakamura Osame syndrome; Autosomal recessive hereditary spastic paraplegia, mental impairment, and thin corpus callosum. Identifiers: Orphanet 2822, MedGen C1858479, MONDO:0011445, OMIM 604360.

Allele frequency attached by ClinVar (database versions not stated): gnomAD exomes below 0.00001; ExAC 0.00001.
gnomAD v4.1: 1 of 1,614,128 alleles (0.000062%); highest among the groups gnomAD compares: Admixed American, 0.0017%; no homozygotes.

Submission:

Labcorp Genetics (formerly Invitae), Labcorp
Classification: Uncertain significance for Hereditary spastic paraplegia 11. Last evaluated: 2022-06-27. Review status: criteria provided, single submitter. Criteria: Invitae Variant Classification Sherloc (09022015). Collection method: clinical testing. Allele origin: germline.
Comment: This sequence change replaces isoleucine, which is neutral and non-polar, with valine, which is neutral and non-polar, at codon 896 of the SPG11 protein (p.Ile896Val). This variant is present in population databases (rs753479999, gnomAD 0.003%). This variant has not been reported in the literature in individuals affected with SPG11-related conditions. Algorithms developed to predict the effect of missense changes on protein structure and function output the following: SIFT: "Tolerated"; PolyPhen-2: "Benign"; Align-GVGD: "Class C0". The valine amino acid residue is found in multiple mammalian species, which suggests that this missense change does not adversely affect protein function. In summary, the available evidence is currently insufficient to determine the role of this variant in disease. Therefore, it has been classified as a Variant of Uncertain Significance.